The following is an entry in ClinVar:

NM_000138.5(FBN1):c.4049G>T (p.Cys1350Phe)

Gene: FBN1 (fibrillin 1; minus strand). Cytogenetic location: 15q21.1.
Variant type: single nucleotide variant.
Coding change: c.4049G>T on transcript NM_000138.5 (MANE Select); coding-DNA position 4049, G replaced by T.
Protein change: p.Cys1350Phe; replaces cysteine 1350 with phenylalanine.
Molecular consequence: missense variant.
Genome position (GRCh38, 1-based): chr15:48,474,566, C>A on the plus strand (G>T on the coding strand, the complement: FBN1 is on the minus strand). VCF-style: chr15-48474566-C-A. GRCh37 (hg19) VCF-style: chr15-48766763-C-A.
Other names: short protein forms C1350F.
Identifiers: ClinVar variation 549204 (VCV000549204.21), dbSNP rs1555397718, ClinGen allele CA392320478.

ClinVar aggregate classification (germline): Pathogenic. Review status: criteria provided, multiple submitters, no conflicts (2 of 4 stars). 3 submissions from 3 submitters: Pathogenic (2). 1 of the submissions does not count toward it. Last evaluated 2023-01-17.

Conditions:
Marfan syndrome (MFS). Also called: Marfan syndrome type 1; Marfan syndrome, classic; Marfan's syndrome; FBN1-Related Marfan Syndrome; MARFAN SYNDROME, TYPE I. Identifiers: Orphanet 284963, Orphanet 558, MedGen C0024796, MONDO:0007947, OMIM 154700.

Submissions (3):

Center for Genomics, Ann and Robert H. Lurie Children's Hospital of Chicago
Classification: Pathogenic for Marfan syndrome. Last evaluated: 2023-01-17. Review status: criteria provided, single submitter. Criteria: ACMG Guidelines, 2015. Collection method: clinical testing. Allele origin: de novo. Observed: 1 variant allele.
Comment: This variant has been reported in the literature in 2 individuals with Marfan syndrome (Baetens 2011 PMID: 21542060; Meester 2022 PMD: 35058154). This variant is absent from gnomAD, but is present in ClinVar (Variation ID: 549204). This variant alters a cysteine residue in a calcium-binding EGF-like domain; cysteines in cbEGF-like domains of the fibrillin-1 protein are established as critical for protein structure and function (Robinson 2006 PMID: 16571647; Faivre 2007 PMID: 17701892). Evolutionary conservation and computational prediction tools strongly support that this variant impacts the encoded protein. In summary, this variant is classified as pathogenic.

Centre of Medical Genetics, University of Antwerp
Classification: Pathogenic for Marfan syndrome. Last evaluated: 2021-03-01. Review status: criteria provided, single submitter. Criteria: Submitter's publication. Collection method: research. Allele origin: unknown. Affected: yes.
Comment: PM2, PVS2, PP4

Center for Medical Genetics Ghent, University of Ghent
Classification: Likely pathogenic for Marfan syndrome. Last evaluated: 2017-11-07. Review status: no assertion criteria provided. Collection method: clinical testing. Allele origin: germline. Affected: yes. Not counted in ClinVar's aggregate classification.